The following is an entry in ClinVar:

ClinVar aggregate classification (germline): Uncertain significance (1 of 4 stars; one submission).

Conditions:
Cardiovascular phenotype. Identifiers: MedGen CN230736.

gnomAD v4.1: 1 of 1,614,058 alleles (0.000062%); highest among the groups gnomAD compares: Non-Finnish European, 0.000085%; no homozygotes.

Submission:

Ambry Genetics
Classification: Uncertain significance for Cardiovascular phenotype. Last evaluated: 2025-04-24. Review status: criteria provided, single submitter. Criteria: Ambry Variant Classification Scheme 2023. Collection method: clinical testing. Allele origin: germline.
Comment: The p.V135M variant (also known as c.403G>A), located in coding exon 3 of the TBX20 gene, results from a G to A substitution at nucleotide position 403. The valine at codon 135 is replaced by methionine, an amino acid with highly similar properties. This amino acid position is conserved. In addition, this alteration is predicted to be deleterious by in silico analysis. Based on the available evidence, the clinical significance of this variant remains unclear.

NM_001077653.2(TBX20):c.403G>A (p.Val135Met)

Gene: TBX20 (T-box transcription factor 20; minus strand). Cytogenetic location: 7p14.2.
Variant type: single nucleotide variant.
Coding change: c.403G>A on transcript NM_001077653.2 (MANE Select); coding-DNA position 403, G replaced by A.
Protein change: p.Val135Met; replaces valine 135 with methionine.
Molecular consequence: missense variant.
Genome position (GRCh38, 1-based): chr7:35,248,819, C>T on the plus strand (G>A on the coding strand, the complement: TBX20 is on the minus strand). VCF-style: chr7-35248819-C-T. GRCh37 (hg19) VCF-style: chr7-35288431-C-T.
Other names: c.403G>A, p.Val135Met (NM_001166220.1); short protein forms V135M.
Identifiers: ClinVar variation 3966262 (VCV003966262.1).